The following is an entry in ClinVar:

NM_023036.6(DNAI2):c.928A>T (p.Lys310Ter)

Gene: DNAI2 (dynein axonemal intermediate chain 2; plus strand). Cytogenetic location: 17q25.1.
Variant type: single nucleotide variant.
Coding change: c.928A>T on transcript NM_023036.6 (MANE Select); coding-DNA position 928, A replaced by T.
Protein change: p.Lys310Ter; replaces lysine 310 with a stop codon.
Molecular consequence: nonsense. On other transcripts: non-coding transcript variant (1).
Genome position (GRCh38, 1-based): chr17:74,301,109, A>T. VCF-style: chr17-74301109-A-T. GRCh37 (hg19) VCF-style: chr17-72297248-A-T.
Other names: c.928A>T, p.Lys310Ter (NM_001172810.3, NM_001353167.2); short protein forms K310*.
Identifiers: ClinVar variation 1400591 (VCV001400591.6), dbSNP rs755714858, ClinGen allele CA400909271.

ClinVar aggregate classification (germline): Pathogenic (1 of 4 stars; one submission).

Conditions:
Primary ciliary dyskinesia. Also called: Ciliary dyskinesia. Identifiers: Orphanet 244, MedGen C0008780, MONDO:0016575, HP:0012265.

Submission:

Labcorp Genetics (formerly Invitae), Labcorp
Classification: Pathogenic for Primary ciliary dyskinesia. Last evaluated: 2020-10-31. Review status: criteria provided, single submitter. Criteria: Invitae Variant Classification Sherloc (09022015). Collection method: clinical testing. Allele origin: germline.
Comment: For these reasons, this variant has been classified as Pathogenic. This variant has not been reported in the literature in individuals with DNAI2-related conditions. This variant is not present in population databases (ExAC no frequency). This sequence change creates a premature translational stop signal (p.Lys310*) in the DNAI2 gene. It is expected to result in an absent or disrupted protein product. Loss-of-function variants in DNAI2 are known to be pathogenic (PMID: 18950741, 23891469).

Literature cited by the submitters: PubMed 18950741; PubMed 23891469.